The following is an entry in ClinVar:

NM_000218.3(KCNQ1):c.1892C>A (p.Pro631His)

Genes: KCNQ1 (potassium voltage-gated channel subfamily Q member 1; plus strand), KCNQ1-AS1 (KCNQ1 antisense RNA 1; minus strand). Cytogenetic location: 11p15.4.
Variant type: single nucleotide variant.
Coding change: c.1892C>A on transcript NM_000218.3 (MANE Select); coding-DNA position 1892, C replaced by A.
Protein change: p.Pro631His; replaces proline 631 with histidine.
Molecular consequence: missense variant.
Genome position (GRCh38, 1-based): chr11:2,847,864, C>A. VCF-style: chr11-2847864-C-A. GRCh37 (hg19) VCF-style: chr11-2869094-C-A.
Other names: c.1796C>A, p.Pro599His (NM_001406836.1); c.1622C>A, p.Pro541His (NM_001406837.1); c.1352C>A, p.Pro451His (NM_001406838.1); c.404C>A, p.Pro135His (NM_001406839.1); c.1511C>A, p.Pro504His (NM_181798.2); short protein forms P631H, P504H, P541H, P135H, P451H, P599H.
Identifiers: ClinVar variation 921848 (VCV000921848.10), dbSNP rs1432436411, ClinGen allele CA379140373.

ClinVar aggregate classification (germline): Uncertain significance. Review status: criteria provided, multiple submitters, no conflicts (2 of 4 stars). 3 submissions from 3 submitters: Uncertain significance (3). Last evaluated 2025-02-10.

Conditions:
Cardiovascular phenotype. Identifiers: MedGen CN230736.
Cardiac arrhythmia. Also called: Arrhythmia; Cardiac rhythm disease. Identifiers: MedGen C0003811, MONDO:0007263, HP:0011675.
Long QT syndrome (LQTS). Identifiers: MedGen C0023976, MeSH D008133, MONDO:0002442. Disease mechanism: loss of function. Inheritance: Various modes of inheritance.

gnomAD v4.1: 1 of 1,577,386 alleles (0.000063%); highest among the groups gnomAD compares: Non-Finnish European, 0.000086%; no homozygotes.

Submissions (3):

Labcorp Genetics (formerly Invitae), Labcorp
Classification: Uncertain significance for Long QT syndrome. Last evaluated: 2025-02-10. Review status: criteria provided, single submitter. Criteria: Invitae Variant Classification Sherloc (09022015). Collection method: clinical testing. Allele origin: germline.
Comment: This sequence change replaces proline, which is neutral and non-polar, with histidine, which is basic and polar, at codon 631 of the KCNQ1 protein (p.Pro631His). This variant is not present in population databases (gnomAD no frequency). This variant has not been reported in the literature in individuals affected with KCNQ1-related conditions. ClinVar contains an entry for this variant (Variation ID: 921848). Invitae Evidence Modeling of protein sequence and biophysical properties (such as structural, functional, and spatial information, amino acid conservation, physicochemical variation, residue mobility, and thermodynamic stability) indicates that this missense variant is not expected to disrupt KCNQ1 protein function with a negative predictive value of 95%. In summary, the available evidence is currently insufficient to determine the role of this variant in disease. Therefore, it has been classified as a Variant of Uncertain Significance.

Ambry Genetics
Classification: Uncertain significance for Cardiovascular phenotype. Last evaluated: 2024-12-24. Review status: criteria provided, single submitter. Criteria: Ambry Variant Classification Scheme 2023. Collection method: clinical testing. Allele origin: germline.
Comment: The p.P631H variant (also known as c.1892C>A), located in coding exon 16 of the KCNQ1 gene, results from a C to A substitution at nucleotide position 1892. The proline at codon 631 is replaced by histidine, an amino acid with similar properties. This amino acid position is not well conserved in available vertebrate species. In addition, the in silico prediction for this alteration is inconclusive. Based on the available evidence, the clinical significance of this variant remains unclear.

Color Diagnostics, LLC DBA Color Health
Classification: Uncertain significance for Cardiac arrhythmia. Last evaluated: 2023-05-31. Review status: criteria provided, single submitter. Criteria: ACMG Guidelines, 2015. Collection method: clinical testing. Allele origin: germline.
Comment: This missense variant replaces proline with histidine at codon 631 of the KCNQ1 protein. Computational prediction is inconclusive regarding the impact of this variant on protein structure and function (internally defined REVEL score threshold 0.5 < inconclusive < 0.7, PMID: 27666373). To our knowledge, functional studies have not been reported for this variant. This variant has not been reported in individuals affected with KCNQ1-related disorders in the literature. This variant has not been identified in the general population by the Genome Aggregation Database (gnomAD). The available evidence is insufficient to determine the role of this variant in disease conclusively. Therefore, this variant is classified as a Variant of Uncertain Significance.